The following is an entry in ClinVar:

ClinVar aggregate classification (germline): Likely benign. Review status: criteria provided, multiple submitters, no conflicts (2 of 4 stars). 3 submissions from 3 submitters: Likely benign (3). Last evaluated 2025-09-14.

Conditions:
Gastrointestinal stromal tumor. Also called: Gastrointestinal stroma tumor; Gastrointestinal stromal tumor, somatic. Identifiers: Orphanet 44890, MedGen C0238198, MeSH D046152, MONDO:0011719, OMIM 606764, HP:0100723.
Pheochromocytoma/paraganglioma syndrome 4. Also called: SDHB-Related Hereditary Paraganglioma-Pheochromocytoma Syndrome (Paragangliomas 4); SDHB-Related Hereditary Paraganglioma-Pheochromocytoma Syndrome; CAROTID BODY TUMORS AND MULTIPLE EXTRAADRENAL PHEOCHROMOCYTOMAS; Paragangliomas 4; PARAGANGLIOMA, FAMILIAL MALIGNANT; PARAGANGLIOMAS, HEREDITARY EXTRAADRENAL. Identifiers: Orphanet 29072, MedGen C1861848, MONDO:0007273, OMIM 115310.
Pheochromocytoma. Also called: MAX-Related Hereditary Paraganglioma-Pheochromocytoma Syndrome. Identifiers: Orphanet 29072, MedGen C0031511, MONDO:0008233, OMIM 171300, HP:0002666.
Hereditary cancer-predisposing syndrome. Also called: Tumor predisposition; Hereditary neoplastic syndrome; Hereditary Cancer Syndrome; Neoplastic Syndromes, Hereditary. Identifiers: Orphanet 140162, MedGen C0027672, MeSH D009386, MONDO:0015356.

gnomAD v4.1: 1 of 1,610,660 alleles (0.000062%); no homozygotes.

Submissions (3):

Labcorp Genetics (formerly Invitae), Labcorp
Classification: Likely benign for Gastrointestinal stromal tumor; Pheochromocytoma/paraganglioma syndrome 4; Pheochromocytoma. Last evaluated: 2025-09-14. Review status: criteria provided, single submitter. Criteria: Invitae Variant Classification Sherloc (09022015). Collection method: clinical testing. Allele origin: germline.

CeGaT Center for Human Genetics Tuebingen
Classification: Likely benign. Last evaluated: 2024-09-01. Review status: criteria provided, single submitter. Criteria: CeGaT Center For Human Genetics Tuebingen Variant Classification Criteria Version 2. Collection method: clinical testing. Allele origin: germline. Affected: yes. Observed: 1 variant allele.
Comment: SDHB: BP4, BP7

Ambry Genetics
Classification: Likely benign for Hereditary cancer-predisposing syndrome. Last evaluated: 2021-04-19. Review status: criteria provided, single submitter. Criteria: Ambry Variant Classification Scheme 2023. Collection method: clinical testing. Allele origin: germline.

NM_003000.3(SDHB):c.15C>G (p.Val5=)

Gene: SDHB (succinate dehydrogenase complex iron sulfur subunit B; minus strand). Cytogenetic location: 1p36.13.
Variant type: single nucleotide variant.
Coding change: c.15C>G on transcript NM_003000.3 (MANE Select); coding-DNA position 15, C replaced by G.
Protein change: p.Val5=; no amino-acid change (valine 5 retained).
Molecular consequence: synonymous variant.
Genome position (GRCh38, 1-based): chr1:17,054,005, G>C on the plus strand (C>G on the coding strand, the complement: SDHB is on the minus strand). VCF-style: chr1-17054005-G-C. GRCh37 (hg19) VCF-style: chr1-17380500-G-C.
Identifiers: ClinVar variation 1132119 (VCV001132119.23), dbSNP rs1182998682, ClinGen allele CA416048821.